The following is an entry in ClinVar:

NM_025074.7(FRAS1):c.6010+10G>A

Gene: FRAS1 (Fraser extracellular matrix complex subunit 1; plus strand). Cytogenetic location: 4q21.21.
Variant type: single nucleotide variant.
Coding change: c.6010+10G>A on transcript NM_025074.7 (MANE Select); 10 bases into the intron after coding-DNA position 6010, G replaced by A.
Molecular consequence: intron variant.
Genome position (GRCh38, 1-based): chr4:78,446,890, G>A. VCF-style: chr4-78446890-G-A. GRCh37 (hg19) VCF-style: chr4-79368044-G-A.
Other names: p.?.
Identifiers: ClinVar variation 349730 (VCV000349730.14), dbSNP rs78537685, ClinGen allele CA2977679.

ClinVar aggregate classification (germline): Benign. Review status: criteria provided, multiple submitters, no conflicts (2 of 4 stars). 4 submissions from 4 submitters: Benign (4). Last evaluated 2026-02-02.

Conditions:
Fraser syndrome 1 (FRASRS1). Also called: CRYPTOPHTHALMOS WITH OTHER MALFORMATIONS. Identifiers: Orphanet 2052, MedGen C4551480, MONDO:0054737, OMIM 219000.

Allele frequency attached by ClinVar (database versions not stated): gnomAD exomes 0.00263 and 0.00663; ExAC 0.01092; ESP Exome Variant Server 0.02491; gnomAD 0.02613 and 0.02804; TOPMed 0.02867; 1000 Genomes Project 0.02995; 1000 Genomes Project 30x 0.03295.
gnomAD v4.1: 7,920 of 1,596,008 alleles (0.5%); highest among the groups gnomAD compares: African/African-American, 9%; 323 homozygotes.

Submissions (4):

Labcorp Genetics (formerly Invitae), Labcorp
Classification: Benign. Last evaluated: 2026-02-02. Review status: criteria provided, single submitter. Criteria: Invitae Variant Classification Sherloc (09022015). Collection method: clinical testing. Allele origin: germline.

Mayo Clinic Laboratories, Mayo Clinic
Classification: Benign. Last evaluated: 2023-04-10. Review status: criteria provided, single submitter. Criteria: ACMG Guidelines, 2015. Collection method: clinical testing. Allele origin: germline. Observed: 1 variant allele.

Illumina Laboratory Services, Illumina
Classification: Benign for Fraser syndrome 1. Last evaluated: 2018-01-13. Review status: criteria provided, single submitter. Criteria: ICSL Variant Classification Criteria 13 December 2019. Collection method: clinical testing. Allele origin: germline.
Comment: This variant was observed in the ICSL laboratory as part of a predisposition screen in an ostensibly healthy population. It had not been previously curated by ICSL or reported in the Human Gene Mutation Database (HGMD: prior to June 1st, 2018), and was therefore a candidate for classification through an automated scoring system. Utilizing variant allele frequency, disease prevalence and penetrance estimates, and inheritance mode, an automated score was calculated to assess if this variant is too frequent to cause the disease. Based on the score and internal cut-off values, a variant classified as benign is not then subjected to further curation. The score for this variant resulted in a classification of benign for this disease.

Breakthrough Genomics
Classification: Benign. Review status: criteria provided, single submitter. Criteria: ACMG Guidelines, 2015. Collection method: not provided. Allele origin: germline. Inheritance: Autosomal recessive inheritance. Affected: yes.